The following is an entry in ClinVar:

ClinVar aggregate classification (germline): Uncertain significance (1 of 4 stars; one submission).

Conditions:
Familial thoracic aortic aneurysm and aortic dissection (TAAD). Also called: Thoracic aortic aneurysms and dissections. Identifiers: Orphanet 91387, MedGen C4707243, MONDO:0019625.

Submission:

Ambry Genetics
Classification: Uncertain significance for Familial thoracic aortic aneurysm and aortic dissection. Last evaluated: 2021-07-22. Review status: criteria provided, single submitter. Criteria: Ambry Variant Classification Scheme 2023. Collection method: clinical testing. Allele origin: germline.
Comment: The p.Q1540E variant (also known as c.4618C>G), located in coding exon 32 of the MYH11 gene, results from a C to G substitution at nucleotide position 4618. The glutamine at codon 1540 is replaced by glutamic acid, an amino acid with highly similar properties. This amino acid position is conserved. In addition, the in silico prediction for this alteration is inconclusive. Since supporting evidence is limited at this time, the clinical significance of this alteration remains unclear.

NM_002474.3(MYH11):c.4618C>G (p.Gln1540Glu)

Genes: NDE1 (nudE neurodevelopment protein 1; plus strand), MYH11 (myosin heavy chain 11; minus strand). Cytogenetic location: 16p13.11.
Variant type: single nucleotide variant.
Coding change: c.4618C>G on transcript NM_002474.3 (MANE Select); coding-DNA position 4618, C replaced by G.
Protein change: p.Gln1540Glu; replaces glutamine 1540 with glutamic acid.
Molecular consequence: missense variant. On other transcripts: intron variant (2).
Genome position (GRCh38, 1-based): chr16:15,721,012, G>C on the plus strand (C>G on the coding strand, the complement: MYH11 is on the minus strand). VCF-style: chr16-15721012-G-C. GRCh37 (hg19) VCF-style: chr16-15814869-G-C.
Other names: c.4639C>G, p.Gln1547Glu (NM_001040113.2, NM_001040114.2); c.4618C>G, p.Gln1540Glu (NM_022844.3); c.948-3179G>C (NM_001143979.2, NM_017668.3); short protein forms Q1540E, Q1547E.
Identifiers: ClinVar variation 1741927 (VCV001741927.2), dbSNP rs2506121341, ClinGen allele CA394854529.